The following is an entry in ClinVar:

ClinVar aggregate classification (germline): Uncertain significance (1 of 4 stars; one submission).

Conditions:
Hereditary cancer-predisposing syndrome. Also called: Neoplastic Syndromes, Hereditary; Tumor predisposition; Hereditary Cancer Syndrome; Hereditary neoplastic syndrome. Identifiers: Orphanet 140162, MedGen C0027672, MeSH D009386, MONDO:0015356.

Submission:

Ambry Genetics
Classification: Uncertain significance for Hereditary cancer-predisposing syndrome. Last evaluated: 2022-09-30. Review status: criteria provided, single submitter. Criteria: Ambry Variant Classification Scheme 2023. Collection method: clinical testing. Allele origin: germline.
Comment: The p.I1095V variant (also known as c.3283A>G), located in coding exon 12 of the PALB2 gene, results from an A to G substitution at nucleotide position 3283. The isoleucine at codon 1095 is replaced by valine, an amino acid with highly similar properties. This amino acid position is conserved. In addition, this alteration is predicted to be tolerated by in silico analysis. Since supporting evidence is limited at this time, the clinical significance of this alteration remains unclear.

NM_024675.4(PALB2):c.3283A>G (p.Ile1095Val)

Gene: PALB2 (partner and localizer of BRCA2; minus strand). Cytogenetic location: 16p12.2.
Variant type: single nucleotide variant.
Coding change: c.3283A>G on transcript NM_024675.4 (MANE Select); coding-DNA position 3283, A replaced by G.
Protein change: p.Ile1095Val; replaces isoleucine 1095 with valine.
Molecular consequence: missense variant.
Genome position (GRCh38, 1-based): chr16:23,607,931, T>C on the plus strand (A>G on the coding strand, the complement: PALB2 is on the minus strand). VCF-style: chr16-23607931-T-C. GRCh37 (hg19) VCF-style: chr16-23619252-T-C.
Other names: c.3211A>G, p.Ile1071Val (NM_001407297.1); c.3121A>G, p.Ile1041Val (NM_001407298.1); c.3004A>G, p.Ile1002Val (NM_001407300.1); c.2398A>G, p.Ile800Val (NM_001407304.1, NM_001407305.1, NM_001407306.1); c.2236A>G, p.Ile746Val (NM_001407307.1); c.1495A>G, p.Ile499Val (NM_001407312.1); c.817A>G, p.Ile273Val (NM_001407314.1); c.3223A>G, p.Ile1075Val (NM_001407296.1); short protein forms I1041V, I1075V, I499V, I746V, I1071V, I273V, I1002V, I1095V.
Identifiers: ClinVar variation 1729765 (VCV001729765.2), dbSNP rs2142272628, ClinGen allele CA395139601.